The following is an entry in ClinVar:

ClinVar aggregate classification (germline): Uncertain significance (1 of 4 stars; one submission).

Conditions:
Epilepsy, progressive myoclonic, 1B. Also called: PME. Identifiers: Orphanet 308, MedGen C2676254, MONDO:0012904, OMIM 612437.

Submission:

Labcorp Genetics (formerly Invitae), Labcorp
Classification: Uncertain significance for Epilepsy, progressive myoclonic, 1B. Last evaluated: 2021-01-15. Review status: criteria provided, single submitter. Criteria: Invitae Variant Classification Sherloc (09022015). Collection method: clinical testing. Allele origin: germline.
Comment: This sequence change replaces leucine with histidine at codon 363 of the PRICKLE1 protein (p.Leu363His). The leucine residue is moderately conserved and there is a moderate physicochemical difference between leucine and histidine. This variant is not present in population databases (ExAC no frequency). This variant has not been reported in the literature in individuals with PRICKLE1-related conditions. Algorithms developed to predict the effect of missense changes on protein structure and function are either unavailable or do not agree on the potential impact of this missense change (SIFT: "Deleterious"; PolyPhen-2: "Possibly Damaging"; Align-GVGD: "Class 0"). In summary, the available evidence is currently insufficient to determine the role of this variant in disease. Therefore, it has been classified as a Variant of Uncertain Significance.

NM_153026.3(PRICKLE1):c.1088_1089delinsAT (p.Leu363His)

Genes: PRICKLE1 (prickle planar cell polarity protein 1; minus strand), LOC126861509 (BRD4-independent group 4 enhancer GRCh37_chr12:42858567-42859766; plus strand). Cytogenetic location: 12q12.
Variant type: Indel.
Coding change: c.1088_1089delinsAT on transcript NM_153026.3 (MANE Select); coding-DNA positions 1088 to 1089, TC replaced by AT.
Protein change: p.Leu363His; replaces leucine 363 with histidine.
Molecular consequence: missense variant.
Genome position (GRCh38, 1-based): chr12:42,464,945-42,464,946, GA replaced by AT on the plus strand (TC replaced by AT on the coding strand, the reverse complement: PRICKLE1 is on the minus strand). VCF-style: chr12-42464945-GA-AT. GRCh37 (hg19) VCF-style: chr12-42858747-GA-AT.
Other names: c.1088_1089delinsAT, p.Leu363His (NM_001144881.2, NM_001144882.2, NM_001144883.2); short protein forms L363H.
Identifiers: ClinVar variation 856256 (VCV000856256.8), dbSNP rs1938031733, ClinGen allele CA916083298.